The following is an entry in ClinVar:

NM_001080.3(ALDH5A1):c.517C>T (p.Arg173Cys)

Gene: ALDH5A1 (aldehyde dehydrogenase 5 family member A1; plus strand). Cytogenetic location: 6p22.3.
Variant type: single nucleotide variant.
Coding change: c.517C>T on transcript NM_001080.3 (MANE Select); coding-DNA position 517, C replaced by T.
Protein change: p.Arg173Cys; replaces arginine 173 with cysteine.
Molecular consequence: missense variant.
Genome position (GRCh38, 1-based): chr6:24,503,341, C>T. VCF-style: chr6-24503341-C-T. GRCh37 (hg19) VCF-style: chr6-24503569-C-T.
Other names: c.517C>T, p.Arg173Cys (NM_001368954.1, NM_170740.1); short protein forms R173C.
Identifiers: ClinVar variation 1878448 (VCV001878448.5), dbSNP rs759155182, ClinGen allele CA3656642.

ClinVar aggregate classification (germline): Conflicting classifications of pathogenicity. Review status: criteria provided, conflicting classifications (1 of 4 stars). 2 submissions from 2 submitters: Likely pathogenic (1); Uncertain significance (1). Last evaluated 2024-10-08.

Conditions:
Succinate-semialdehyde dehydrogenase deficiency (SSADHD). Also called: Succinic Semialdehyde Dehydrogenase Deficiency; SSADH DEFICIENCY; 4-HYDROXYBUTYRIC ACIDURIA; GABA METABOLIC DEFECT. Identifiers: Orphanet 22, MedGen C0268631, MONDO:0010083, OMIM 271980.

Allele frequency attached by ClinVar (database versions not stated): ExAC 0.00001.
gnomAD v4.1: 16 of 1,614,070 alleles (0.00099%); highest among the groups gnomAD compares: Admixed American, 0.0017%; no homozygotes.

Submissions (2):

3billion
Classification: Uncertain significance for Succinate-semialdehyde dehydrogenase deficiency. Last evaluated: 2024-10-08. Review status: criteria provided, single submitter. Criteria: ACMG Guidelines, 2015. Collection method: clinical testing. Allele origin: germline. Affected: yes.
Comment: The variant is observed at an extremely low frequency in the gnomAD v4.1.0 dataset (total allele frequency: 0.001%). Predicted Consequence/Location: Missense variant In silico tool predictions suggest damaging effect of the variant on gene or gene product [REVEL: 0.84 (>=0.6, sensitivity 0.68 and specificity 0.92); 3Cnet: 0.98 (>=0.6, sensitivity 0.72 and precision 0.9)]. The same nucleotide change resulting in the same amino acid change has been previously reported to be associated with ALDH5A1 related disorder (ClinVar ID: VCV001878448 /PMID: 25558043).A different missense change at the same codon (p.Arg173Ser) has been reported to be associated with ALDH5A1 related disorder (PMID: 34234304). Therefore, this variant is classified as VUS according to the recommendation of ACMG/AMP guideline.

Elsea Laboratory, Baylor College of Medicine
Classification: Likely pathogenic for Succinate-semialdehyde dehydrogenase deficiency. Last evaluated: 2021-03-08. Review status: criteria provided, single submitter. Criteria: Martin et al. (J Child Neurol. 2021). Collection method: curation. Allele origin: germline. Affected: yes.
Comment: deficient enzyme activity; NAD binding domain

Literature cited by the submitters: PubMed 25558043 (cited by 3billion and Elsea Laboratory, Baylor College of Medicine); PubMed 34234304 (cited by 3billion); PubMed 33203024 (cited by Elsea Laboratory, Baylor College of Medicine); PubMed 32402538 (cited by Elsea Laboratory, Baylor College of Medicine).